The following is an entry in ClinVar:

ClinVar aggregate classification (germline): Uncertain significance (1 of 4 stars; one submission).

Submission:

GeneDx
Classification: Uncertain significance. Last evaluated: 2024-11-06. Review status: criteria provided, single submitter. Criteria: GeneDx Variant Classification Process June 2021. Collection method: clinical testing. Allele origin: germline. Affected: yes.
Comment: Not observed at significant frequency in large population cohorts (gnomAD); In silico analysis supports that this missense variant has a deleterious effect on protein structure/function; Has not been previously published as pathogenic or benign to our knowledge

NM_139318.5(KCNH5):c.1798G>T (p.Asp600Tyr)

Gene: KCNH5 (potassium voltage-gated channel subfamily H member 5; minus strand). Cytogenetic location: 14q23.2.
Variant type: single nucleotide variant.
Coding change: c.1798G>T on transcript NM_139318.5 (MANE Select); coding-DNA position 1798, G replaced by T.
Protein change: p.Asp600Tyr; replaces aspartic acid 600 with tyrosine.
Molecular consequence: missense variant.
Genome position (GRCh38, 1-based): chr14:62,802,353, C>A on the plus strand (G>T on the coding strand, the complement: KCNH5 is on the minus strand). VCF-style: chr14-62802353-C-A. GRCh37 (hg19) VCF-style: chr14-63269071-C-A.
Other names: c.1798G>T, p.Asp600Tyr (NM_172375.3); short protein forms D600Y.
Identifiers: ClinVar variation 3898954 (VCV003898954.1).